The following is an entry in ClinVar:

ClinVar aggregate classification (germline): Uncertain significance (1 of 4 stars; one submission).

gnomAD v4.1: 6 of 1,611,528 alleles (0.00037%); highest among the groups gnomAD compares: Non-Finnish European, 0.00051%; no homozygotes.

Submission:

Labcorp Genetics (formerly Invitae), Labcorp
Classification: Uncertain significance. Last evaluated: 2024-04-17. Review status: criteria provided, single submitter. Criteria: Invitae Variant Classification Sherloc (09022015). Collection method: clinical testing. Allele origin: germline.
Comment: This sequence change replaces methionine, which is neutral and non-polar, with isoleucine, which is neutral and non-polar, at codon 239 of the CFH protein (p.Met239Ile). This variant is not present in population databases (gnomAD no frequency). This variant has not been reported in the literature in individuals affected with CFH-related conditions. An algorithm developed to predict the effect of missense changes on protein structure and function (PolyPhen-2) suggests that this variant is likely to be tolerated. Algorithms developed to predict the effect of sequence changes on RNA splicing suggest that this variant may disrupt the consensus splice site. In summary, the available evidence is currently insufficient to determine the role of this variant in disease. Therefore, it has been classified as a Variant of Uncertain Significance.

NM_000186.4(CFH):c.717G>A (p.Met239Ile)

Gene: CFH (complement factor H; plus strand). Cytogenetic location: 1q31.3.
Variant type: single nucleotide variant.
Coding change: c.717G>A on transcript NM_000186.4 (MANE Select); coding-DNA position 717, G replaced by A.
Protein change: p.Met239Ile; replaces methionine 239 with isoleucine.
Molecular consequence: missense variant.
Genome position (GRCh38, 1-based): chr1:196,679,720, G>A. VCF-style: chr1-196679720-G-A. GRCh37 (hg19) VCF-style: chr1-196648850-G-A.
Other names: c.717G>A, p.Met239Ile (NM_001014975.3); short protein forms M239I.
Identifiers: ClinVar variation 3650271 (VCV003650271.2).